The following is an entry in ClinVar:

NM_006767.4(LZTR1):c.1191G>A (p.Ser397=)

Gene: LZTR1 (leucine zipper like post translational regulator 1; plus strand). Cytogenetic location: 22q11.21.
Variant type: single nucleotide variant.
Coding change: c.1191G>A on transcript NM_006767.4 (MANE Select); coding-DNA position 1191, G replaced by A.
Protein change: p.Ser397=; no amino-acid change (serine 397 retained).
Molecular consequence: synonymous variant.
Genome position (GRCh38, 1-based): chr22:20,992,835, G>A. VCF-style: chr22-20992835-G-A. GRCh37 (hg19) VCF-style: chr22-21347124-G-A.
Identifiers: ClinVar variation 1745036 (VCV001745036.31), dbSNP rs766203090, ClinGen allele CA10118758.
Genomic context (GRCh38, chr22:20,992,835, plus strand): 5'-CTGCCTTCTTGTCCCCCAGCTGCCCAGTGGGAGGCTCTTCCACGCGGCTGCTGTCATCTC[G>A]GACGCCATGTACATCTTCGGGGGCACGGTGGACAACAACATCCGCAGCGGGGAGATGTAC-3'
Protein context (NP_006758.2, residues 387-407): GRLFHAAAVI[Ser397=]DAMYIFGGTV

ClinVar aggregate classification (germline): Likely benign. Review status: criteria provided, multiple submitters, no conflicts (2 of 4 stars). 3 submissions from 3 submitters: Likely benign (3). Last evaluated 2026-07-01.

Conditions:
Hereditary cancer-predisposing syndrome. Also called: Tumor predisposition; Hereditary Cancer Syndrome; Neoplastic Syndromes, Hereditary; Hereditary neoplastic syndrome. Identifiers: Orphanet 140162, MedGen C0027672, MeSH D009386, MONDO:0015356.
Cardiovascular phenotype. Identifiers: MedGen CN230736.

Allele frequency attached by ClinVar (database versions not stated): gnomAD 0.00001; gnomAD exomes 0.00002; ExAC 0.00007; TOPMed below 0.00001.
gnomAD v4.1: 25 of 1,609,034 alleles (0.0016%); highest among the groups gnomAD compares: South Asian, 0.022%; no homozygotes.

Submissions (3):

CeGaT Center for Human Genetics Tuebingen
Classification: Likely benign. Last evaluated: 2026-07-01. Review status: criteria provided, single submitter. Criteria: CeGaT Center For Human Genetics Tuebingen Variant Classification Criteria Version 2. Collection method: clinical testing. Allele origin: germline. Affected: yes. Observed: 2 variant alleles.
Comment: LZTR1: BP4, BP7

Labcorp Genetics (formerly Invitae), Labcorp
Classification: Likely benign. Last evaluated: 2024-08-22. Review status: criteria provided, single submitter. Criteria: Invitae Variant Classification Sherloc (09022015). Collection method: clinical testing. Allele origin: germline.

Ambry Genetics
Classification: Likely benign for Cardiovascular phenotype; Hereditary cancer-predisposing syndrome. Last evaluated: 2022-09-04. Review status: criteria provided, single submitter. Criteria: Ambry Variant Classification Scheme 2023. Collection method: clinical testing. Allele origin: germline.